The following is an entry in ClinVar:

ClinVar aggregate classification (germline): Uncertain significance (1 of 4 stars; one submission).

Conditions:
Autosomal dominant epilepsy with auditory features. Identifiers: Orphanet 101046, MedGen C1838062, MONDO:0010898.

gnomAD v4.1: 3 of 1,607,248 alleles (0.00019%); highest among the groups gnomAD compares: Non-Finnish European, 0.00025%; no homozygotes.

Submission:

Labcorp Genetics (formerly Invitae), Labcorp
Classification: Uncertain significance for Autosomal dominant epilepsy with auditory features. Last evaluated: 2025-07-30. Review status: criteria provided, single submitter. Criteria: Invitae Variant Classification Sherloc (09022015). Collection method: clinical testing. Allele origin: germline.
Comment: This sequence change replaces glycine, which is neutral and non-polar, with arginine, which is basic and polar, at codon 543 of the LGI1 protein (p.Gly543Arg). This variant is not present in population databases (gnomAD no frequency). This variant has not been reported in the literature in individuals affected with LGI1-related conditions. Invitae Evidence Modeling of protein sequence and biophysical properties (such as structural, functional, and spatial information, amino acid conservation, physicochemical variation, residue mobility, and thermodynamic stability) has been performed for this missense variant. However, the output from this modeling did not meet the statistical confidence thresholds required to predict the impact of this variant on LGI1 protein function. In summary, the available evidence is currently insufficient to determine the role of this variant in disease. Therefore, it has been classified as a Variant of Uncertain Significance.

NM_005097.4(LGI1):c.1627G>A (p.Gly543Arg)

Gene: LGI1 (leucine rich glioma inactivated 1; plus strand). Cytogenetic location: 10q23.33.
Variant type: single nucleotide variant.
Coding change: c.1627G>A on transcript NM_005097.4 (MANE Select); coding-DNA position 1627, G replaced by A.
Protein change: p.Gly543Arg; replaces glycine 543 with arginine.
Molecular consequence: missense variant. On other transcripts: synonymous variant (1), non-coding transcript variant (1).
Genome position (GRCh38, 1-based): chr10:93,797,756, G>A. VCF-style: chr10-93797756-G-A. GRCh37 (hg19) VCF-style: chr10-95557513-G-A.
Other names: c.846G>A, p.Arg282= (NM_001308275.2); c.1483G>A, p.Gly495Arg (NM_001308276.2); short protein forms G543R, G495R.
Identifiers: ClinVar variation 4767861 (VCV004767861.1).